The following is an entry in ClinVar:

ClinVar aggregate classification (germline): Uncertain significance (1 of 4 stars; one submission).

Submission:

CeGaT Center for Human Genetics Tuebingen
Classification: Uncertain significance. Last evaluated: 2023-07-01. Review status: criteria provided, single submitter. Criteria: CeGaT Center For Human Genetics Tuebingen Variant Classification Criteria Version 2. Collection method: clinical testing. Allele origin: germline. Affected: yes. Observed: 1 variant allele.
Comment: HERC2: PM2

NM_004667.6(HERC2):c.11159C>G (p.Ser3720Cys)

Gene: HERC2 (HECT and RLD domain containing E3 ubiquitin protein ligase 2; minus strand). Cytogenetic location: 15q13.1.
Variant type: single nucleotide variant.
Coding change: c.11159C>G on transcript NM_004667.6 (MANE Select); coding-DNA position 11159, C replaced by G.
Protein change: p.Ser3720Cys; replaces serine 3720 with cysteine.
Molecular consequence: missense variant.
Genome position (GRCh38, 1-based): chr15:28,144,217, G>C on the plus strand (C>G on the coding strand, the complement: HERC2 is on the minus strand). VCF-style: chr15-28144217-G-C. GRCh37 (hg19) VCF-style: chr15-28389363-G-C.
Other names: short protein forms S3720C.
Identifiers: ClinVar variation 2645042 (VCV002645042.24), dbSNP rs2548872499, ClinGen allele CA391385137.